The following is an entry in ClinVar:

ClinVar aggregate classification (germline): Uncertain significance (1 of 4 stars; one submission).

Conditions:
Hereditary cancer-predisposing syndrome. Also called: Neoplastic Syndromes, Hereditary; Tumor predisposition; Hereditary Cancer Syndrome; Hereditary neoplastic syndrome. Identifiers: Orphanet 140162, MedGen C0027672, MeSH D009386, MONDO:0015356.

Submission:

Ambry Genetics
Classification: Uncertain significance for Hereditary cancer-predisposing syndrome. Last evaluated: 2026-03-04. Review status: criteria provided, single submitter. Criteria: Ambry Variant Classification Scheme 2023. Collection method: clinical testing. Allele origin: germline.
Comment: The p.K380N variant (also known as c.1140G>T), located in coding exon 4 of the AXIN2 gene, results from a G to T substitution at nucleotide position 1140. The lysine at codon 380 is replaced by asparagine, an amino acid with similar properties. This amino acid position is conserved. In addition, this alteration is predicted to be tolerated by in silico analysis. Based on the available evidence, the clinical significance of this variant remains unclear.

NM_004655.4(AXIN2):c.1140G>T (p.Lys380Asn)

Gene: AXIN2 (axin 2; minus strand). Cytogenetic location: 17q24.1.
Variant type: single nucleotide variant.
Coding change: c.1140G>T on transcript NM_004655.4 (MANE Select); coding-DNA position 1140, G replaced by T.
Protein change: p.Lys380Asn; replaces lysine 380 with asparagine.
Molecular consequence: missense variant.
Genome position (GRCh38, 1-based): chr17:65,538,263, C>A on the plus strand (G>T on the coding strand, the complement: AXIN2 is on the minus strand). VCF-style: chr17-65538263-C-A. GRCh37 (hg19) VCF-style: chr17-63534381-C-A.
Other names: c.1140G>T, p.Lys380Asn (NM_001363813.1); short protein forms K380N.
Identifiers: ClinVar variation 4831392 (VCV004831392.1).
Genomic context (GRCh38, chr17:65,538,263, plus strand): 5'-CTCTCGGATCTGCTGCAGGCGCTCCTCCAGGCTGTGGCGGCTCTCCAACTCCAGCTTCAG[C>A]TTTTCCAGCCTCGAGATCAGCTCAGCTGCAAAGGTGGCGGGTTCCACGGGGGTCATCTCC-3'
Protein context (NP_004646.3, residues 370-390): FAAELISRLE[Lys380Asn]LKLELESRHS